The following is an entry in ClinVar:

NM_001031725.6(DDX59):c.804+1G>A

Gene: DDX59 (DEAD-box helicase 59; minus strand). Cytogenetic location: 1q32.1.
Variant type: single nucleotide variant.
Coding change: c.804+1G>A on transcript NM_001031725.6 (MANE Select); the canonical splice donor site of the intron after coding-DNA position 804, G replaced by A.
Molecular consequence: splice donor variant.
Genome position (GRCh38, 1-based): chr1:200,665,936, C>T on the plus strand (G>A on the coding strand, the complement: DDX59 is on the minus strand). VCF-style: chr1-200665936-C-T. GRCh37 (hg19) VCF-style: chr1-200635064-C-T.
Other names: c.804+1G>A (NM_001349799.3, NM_001349800.3, NM_001320182.1 and 5 more transcripts).
Identifiers: ClinVar variation 2769652 (VCV002769652.3), dbSNP rs2528143202, ClinGen allele CA344147324.
Genomic context (GRCh38, chr1:200,665,936, plus strand): 5'-TTGGTAAATACCTCACTTGTTTCCAAGAATAATACATGTGAACTCTATTATTAACACTTA[C>T]CTCGAATAAAGCTCGCATGATAACAGGAAGAAGAAAAGCAGCTGTTTTTCCTGAGCCAGT-3'

ClinVar aggregate classification (germline): Likely pathogenic (1 of 4 stars; one submission).

Submission:

Labcorp Genetics (formerly Invitae), Labcorp
Classification: Likely pathogenic. Last evaluated: 2023-12-13. Review status: criteria provided, single submitter. Criteria: Invitae Variant Classification Sherloc (09022015). Collection method: clinical testing. Allele origin: germline.
Comment: This sequence change affects a donor splice site in intron 2 of the DDX59 gene. It is expected to disrupt RNA splicing. Variants that disrupt the donor or acceptor splice site typically lead to a loss of protein function (PMID: 16199547), and loss-of-function variants in DDX59 are known to be pathogenic (PMID: 29127725). This variant is not present in population databases (gnomAD no frequency). This variant has not been reported in the literature in individuals affected with DDX59-related conditions. Algorithms developed to predict the effect of sequence changes on RNA splicing suggest that this variant may disrupt the consensus splice site. In summary, the currently available evidence indicates that the variant is pathogenic, but additional data are needed to prove that conclusively. Therefore, this variant has been classified as Likely Pathogenic.

Literature cited by the submitters: PubMed 16199547; PubMed 29127725.